The following is an entry in ClinVar:

ClinVar aggregate classification (germline): Uncertain significance (1 of 4 stars; one submission).

Submission:

Labcorp Genetics (formerly Invitae), Labcorp
Classification: Uncertain significance. Last evaluated: 2021-12-21. Review status: criteria provided, single submitter. Criteria: Invitae Variant Classification Sherloc (09022015). Collection method: clinical testing. Allele origin: germline.
Comment: This sequence change replaces glycine, which is neutral and non-polar, with cysteine, which is neutral and slightly polar, at codon 1103 of the MCM3AP protein (p.Gly1103Cys). This variant is not present in population databases (gnomAD no frequency). This variant has not been reported in the literature in individuals affected with MCM3AP-related conditions. Algorithms developed to predict the effect of missense changes on protein structure and function (SIFT, PolyPhen-2, Align-GVGD) all suggest that this variant is likely to be disruptive. In summary, the available evidence is currently insufficient to determine the role of this variant in disease. Therefore, it has been classified as a Variant of Uncertain Significance.

NM_003906.5(MCM3AP):c.3307G>T (p.Gly1103Cys)

Gene: MCM3AP (minichromosome maintenance complex component 3 associated protein; minus strand). Cytogenetic location: 21q22.3.
Variant type: single nucleotide variant.
Coding change: c.3307G>T on transcript NM_003906.5 (MANE Select); coding-DNA position 3307, G replaced by T.
Protein change: p.Gly1103Cys; replaces glycine 1103 with cysteine.
Molecular consequence: missense variant.
Genome position (GRCh38, 1-based): chr21:46,264,145, C>A on the plus strand (G>T on the coding strand, the complement: MCM3AP is on the minus strand). VCF-style: chr21-46264145-C-A. GRCh37 (hg19) VCF-style: chr21-47684059-C-A.
Other names: short protein forms G1103C.
Identifiers: ClinVar variation 1945889 (VCV001945889.2), dbSNP rs2517383250, ClinGen allele CA410558460.